The following is an entry in ClinVar:

NM_014159.7(SETD2):c.5955G>T (p.Glu1985Asp)

Gene: SETD2 (SET domain containing 2, histone lysine methyltransferase; minus strand). Cytogenetic location: 3p21.31.
Variant type: single nucleotide variant.
Coding change: c.5955G>T on transcript NM_014159.7 (MANE Select); coding-DNA position 5955, G replaced by T.
Protein change: p.Glu1985Asp; replaces glutamic acid 1985 with aspartic acid.
Molecular consequence: missense variant. On other transcripts: non-coding transcript variant (1).
Genome position (GRCh38, 1-based): chr3:47,083,825, C>A on the plus strand (G>T on the coding strand, the complement: SETD2 is on the minus strand). VCF-style: chr3-47083825-C-A. GRCh37 (hg19) VCF-style: chr3-47125315-C-A.
Other names: c.5823G>T, p.Glu1941Asp (NM_001349370.3); short protein forms E1941D, E1985D.
Identifiers: ClinVar variation 4074513 (VCV004074513.1).

ClinVar aggregate classification (germline): Uncertain significance (1 of 4 stars; one submission).

gnomAD v4.1: 2 of 1,614,110 alleles (0.00012%); highest among the groups gnomAD compares: Non-Finnish European, 0.00017%; no homozygotes.

Submission:

GeneDx
Classification: Uncertain significance. Last evaluated: 2025-02-11. Review status: criteria provided, single submitter. Criteria: GeneDx Variant Classification Process June 2021. Collection method: clinical testing. Allele origin: germline. Affected: yes.
Comment: Not observed at significant frequency in large population cohorts (gnomAD); In silico analysis indicates that this missense variant does not alter protein structure/function; Has not been previously published as pathogenic or benign to our knowledge